The following is an entry in ClinVar:

ClinVar aggregate classification (germline): Uncertain significance (1 of 4 stars; one submission).

Conditions:
Hypertrophic cardiomyopathy 26. Also called: Cardiomyopathy, familial hypertrophic, 26. Identifiers: Orphanet 75249, MedGen C4310749, MONDO:0014883, OMIM 617047.
Myofibrillar myopathy 5. Also called: Filaminopathy (type); FILAMINOPATHY, AUTOSOMAL DOMINANT. Identifiers: Orphanet 171445, MedGen C1836050, MONDO:0012289, OMIM 609524.
Distal myopathy with posterior leg and anterior hand involvement. Also called: WILLIAMS DISTAL MYOPATHY. Identifiers: Orphanet 63273, MedGen C3279722, MONDO:0013550, OMIM 614065.

gnomAD v4.1: 1 of 1,613,680 alleles (0.000062%); highest among the groups gnomAD compares: Non-Finnish European, 0.000085%; no homozygotes.

Submission:

Labcorp Genetics (formerly Invitae), Labcorp
Classification: Uncertain significance for Distal myopathy with posterior leg and anterior hand involvement; Myofibrillar myopathy 5; Hypertrophic cardiomyopathy 26. Last evaluated: 2025-12-25. Review status: criteria provided, single submitter. Criteria: Invitae Variant Classification Sherloc (09022015). Collection method: clinical testing. Allele origin: germline.
Comment: This sequence change replaces aspartic acid, which is acidic and polar, with glycine, which is neutral and non-polar, at codon 651 of the FLNC protein (p.Asp651Gly). This variant is not present in population databases (gnomAD no frequency). This variant has not been reported in the literature in individuals affected with FLNC-related conditions. Invitae Evidence Modeling of protein sequence and biophysical properties (such as structural, functional, and spatial information, amino acid conservation, physicochemical variation, residue mobility, and thermodynamic stability) has been performed for this missense variant. However, the output from this modeling did not meet the statistical confidence thresholds required to predict the impact of this variant on FLNC protein function. In summary, the available evidence is currently insufficient to determine the role of this variant in disease. Therefore, it has been classified as a Variant of Uncertain Significance.

NM_001458.5(FLNC):c.1952A>G (p.Asp651Gly)

Gene: FLNC (filamin C; plus strand). Cytogenetic location: 7q32.1.
Variant type: single nucleotide variant.
Coding change: c.1952A>G on transcript NM_001458.5 (MANE Select); coding-DNA position 1952, A replaced by G.
Protein change: p.Asp651Gly; replaces aspartic acid 651 with glycine.
Molecular consequence: missense variant.
Genome position (GRCh38, 1-based): chr7:128,841,308, A>G. VCF-style: chr7-128841308-A-G. GRCh37 (hg19) VCF-style: chr7-128481362-A-G.
Other names: c.1952A>G, p.Asp651Gly (NM_001127487.2); short protein forms D651G.
Identifiers: ClinVar variation 4812801 (VCV004812801.1).
Genomic context (GRCh38, chr7:128,841,308, plus strand): 5'-GGCCCACGGAGCCTGGGGAGTACGCTGTGCACGTCATCTGTGACGATGAGGACATCCGAG[A>G]CTCACCCTTCATTGCCCACATCCTGCCCGCCCCACCTGACTGCTTCCCAGATAAGGTGTG-3'
Protein context (NP_001449.3, residues 641-661): HVICDDEDIR[Asp651Gly]SPFIAHILPA